The following is an entry in ClinVar:

ClinVar aggregate classification (germline): Likely pathogenic (0 of 4 stars; one submission).

Conditions:
Hypertrophic cardiomyopathy. Also called: HYPERTROPHIC MYOCARDIOPATHY. Identifiers: Orphanet 217569, MedGen C0007194, MeSH D002312, MONDO:0005045, HP:0001639.

Submission:

Laboratory for Molecular Medicine, Mass General Brigham Personalized Medicine
Classification: Likely pathogenic for Hypertrophic cardiomyopathy. Last evaluated: 2008-03-01. Review status: no assertion criteria provided. Collection method: clinical testing. Allele origin: germline. Observed: 1 variant allele.
Comment: proposed classification - variant undergoing re-assessment, contact laboratory

NM_000256.3(MYBPC3):c.343G>T (p.Gly115Ter)

Gene: MYBPC3 (myosin binding protein C3; minus strand). Cytogenetic location: 11p11.2.
Variant type: single nucleotide variant.
Coding change: c.343G>T on transcript NM_000256.3 (MANE Select); coding-DNA position 343, G replaced by T.
Protein change: p.Gly115Ter; replaces glycine 115 with a stop codon.
Molecular consequence: nonsense.
Genome position (GRCh38, 1-based): chr11:47,350,565, C>A on the plus strand (G>T on the coding strand, the complement: MYBPC3 is on the minus strand). VCF-style: chr11-47350565-C-A. GRCh37 (hg19) VCF-style: chr11-47372116-C-A.
Other names: short protein forms G115*.
Identifiers: ClinVar variation 164155 (VCV000164155.4), dbSNP rs727503220, ClinGen allele CA014165.